The following is an entry in ClinVar:

NM_025144.4(ALPK1):c.3598G>A (p.Val1200Ile)

Gene: ALPK1 (alpha kinase 1; plus strand). Cytogenetic location: 4q25.
Variant type: single nucleotide variant.
Coding change: c.3598G>A on transcript NM_025144.4 (MANE Select); coding-DNA position 3598, G replaced by A.
Protein change: p.Val1200Ile; replaces valine 1200 with isoleucine.
Molecular consequence: missense variant.
Genome position (GRCh38, 1-based): chr4:112,440,976, G>A. VCF-style: chr4-112440976-G-A. GRCh37 (hg19) VCF-style: chr4-113362132-G-A.
Other names: c.3598G>A, p.Val1200Ile (NM_001102406.2); c.3364G>A, p.Val1122Ile (NM_001253884.2); short protein forms V1122I, V1200I.
Identifiers: ClinVar variation 2967172 (VCV002967172.3), dbSNP rs749203950, ClinGen allele CA3047239.

ClinVar aggregate classification (germline): Uncertain significance (1 of 4 stars; one submission).

Allele frequency attached by ClinVar (database versions not stated): gnomAD exomes 0.00001; TOPMed below 0.00001; ExAC 0.00001.
gnomAD v4.1: 12 of 1,613,898 alleles (0.00074%); highest among the groups gnomAD compares: Admixed American, 0.005%; no homozygotes.

Submission:

Labcorp Genetics (formerly Invitae), Labcorp
Classification: Uncertain significance. Last evaluated: 2025-10-06. Review status: criteria provided, single submitter. Criteria: Invitae Variant Classification Sherloc (09022015). Collection method: clinical testing. Allele origin: germline.
Comment: This sequence change replaces valine, which is neutral and non-polar, with isoleucine, which is neutral and non-polar, at codon 1200 of the ALPK1 protein (p.Val1200Ile). This variant is present in population databases (rs749203950, gnomAD 0.006%). This variant has not been reported in the literature in individuals affected with ALPK1-related conditions. ClinVar contains an entry for this variant (Variation ID: 2967172). An algorithm developed to predict the effect of missense changes on protein structure and function outputs the following: PolyPhen-2: "Benign". The isoleucine amino acid residue is found in multiple mammalian species, which suggests that this missense change does not adversely affect protein function. In summary, the available evidence is currently insufficient to determine the role of this variant in disease. Therefore, it has been classified as a Variant of Uncertain Significance.